The following is an entry in ClinVar:

ClinVar aggregate classification (germline): Likely benign (1 of 4 stars; one submission).

Submission:

CeGaT Center for Human Genetics Tuebingen
Classification: Likely benign. Last evaluated: 2025-04-01. Review status: criteria provided, single submitter. Criteria: CeGaT Center For Human Genetics Tuebingen Variant Classification Criteria Version 2. Collection method: clinical testing. Allele origin: germline. Affected: yes. Observed: 1 variant allele.
Comment: DEAF1: BS2

NM_021008.4(DEAF1):c.1594-1692C>T

Gene: DEAF1 (DEAF1 transcription factor; minus strand). Cytogenetic location: 11p15.5.
Variant type: single nucleotide variant.
Coding change: c.1594-1692C>T on transcript NM_021008.4 (MANE Select); 1692 bases into the intron before coding-DNA position 1594, C replaced by T.
Molecular consequence: intron variant.
Genome position (GRCh38, 1-based): chr11:646,346, G>A on the plus strand (C>T on the coding strand, the complement: DEAF1 is on the minus strand). VCF-style: chr11-646346-G-A. GRCh37 (hg19) VCF-style: chr11-646346-G-A.
Other names: c.868-1692C>T (NM_001367390.1, NM_001440885.1, NM_001440887.1 and 1 more transcripts); c.1369-1692C>T (NM_001293634.2); c.1465-1692C>T (NM_001440884.1); c.1504-1692C>T (NM_001440883.1).
Identifiers: ClinVar variation 3898480 (VCV003898480.7).